The following is an entry in ClinVar:

ClinVar aggregate classification (germline): Uncertain significance (1 of 4 stars; one submission).

gnomAD v4.1: 2 of 1,614,144 alleles (0.00012%); highest among the groups gnomAD compares: Non-Finnish European, 0.00017%; no homozygotes.

Submission:

Ambry Genetics
Classification: Uncertain significance. Last evaluated: 2025-01-23. Review status: criteria provided, single submitter. Criteria: Ambry Variant Classification Scheme 2023. Collection method: clinical testing. Allele origin: germline.
Comment: The p.K244E variant (also known as c.730A>G), located in coding exon 1 of the TET2 gene, results from an A to G substitution at nucleotide position 730. The lysine at codon 244 is replaced by glutamic acid, an amino acid with similar properties. This amino acid position is conserved. In addition, this alteration is predicted to be tolerated by in silico analysis. Based on the available evidence, the clinical significance of this variant remains unclear.

NM_001127208.3(TET2):c.730A>G (p.Lys244Glu)

Genes: TET2 (tet methylcytosine dioxygenase 2; plus strand), TET2-AS1 (TET2 antisense RNA 1; minus strand). Cytogenetic location: 4q24.
Variant type: single nucleotide variant.
Coding change: c.730A>G on transcript NM_001127208.3 (MANE Select); coding-DNA position 730, A replaced by G.
Protein change: p.Lys244Glu; replaces lysine 244 with glutamic acid.
Molecular consequence: missense variant.
Genome position (GRCh38, 1-based): chr4:105,234,672, A>G. VCF-style: chr4-105234672-A-G. GRCh37 (hg19) VCF-style: chr4-106155829-A-G.
Other names: c.730A>G, p.Lys244Glu (NM_017628.4); short protein forms K244E.
Identifiers: ClinVar variation 3805999 (VCV003805999.1).